The following is an entry in ClinVar:

NM_015102.5(NPHP4):c.3853G>C (p.Gly1285Arg)

Gene: NPHP4 (nephrocystin 4; minus strand). Cytogenetic location: 1p36.31.
Variant type: single nucleotide variant.
Coding change: c.3853G>C on transcript NM_015102.5 (MANE Select); coding-DNA position 3853, G replaced by C.
Protein change: p.Gly1285Arg; replaces glycine 1285 with arginine.
Molecular consequence: missense variant. On other transcripts: non-coding transcript variant (1).
Genome position (GRCh38, 1-based): chr1:5,864,481, C>G on the plus strand (G>C on the coding strand, the complement: NPHP4 is on the minus strand). VCF-style: chr1-5864481-C-G. GRCh37 (hg19) VCF-style: chr1-5924541-C-G.
Other names: c.2314G>C, p.Gly772Arg (NM_001291593.2); c.2317G>C, p.Gly773Arg (NM_001291594.2); short protein forms G1285R, G772R, G773R.
Identifiers: ClinVar variation 432503 (VCV000432503.14), dbSNP rs537859714, ClinGen allele CA17125094.

ClinVar aggregate classification (germline): Uncertain significance. Review status: criteria provided, multiple submitters, no conflicts (2 of 4 stars). 6 submissions from 6 submitters: Uncertain significance (6). Last evaluated 2022-08-31.

Conditions:
Nephronophthisis 4 (NPHP4). Also called: NEPHRONOPHTHISIS 4, JUVENILE. Identifiers: Orphanet 655, MedGen C1847013, MONDO:0011752, OMIM 606966.
Nephronophthisis. Also called: Juvenile Nephronophthisis. Identifiers: Orphanet 655, MedGen C0687120, MONDO:0019005, HP:0000090.

gnomAD v4.1: 23 of 1,595,996 alleles (0.0014%); highest among the groups gnomAD compares: Middle Eastern, 0.33%; 1 homozygote.

Submissions (6):

Labcorp Genetics (formerly Invitae), Labcorp
Classification: Uncertain significance for Nephronophthisis. Last evaluated: 2022-08-31. Review status: criteria provided, single submitter. Criteria: Invitae Variant Classification Sherloc (09022015). Collection method: clinical testing. Allele origin: germline.
Comment: Algorithms developed to predict the effect of missense changes on protein structure and function are either unavailable or do not agree on the potential impact of this missense change (SIFT: "Tolerated"; PolyPhen-2: "Probably Damaging"; Align-GVGD: "Class C0"). In summary, the available evidence is currently insufficient to determine the role of this variant in disease. Therefore, it has been classified as a Variant of Uncertain Significance. ClinVar contains an entry for this variant (Variation ID: 432503). This variant has not been reported in the literature in individuals affected with NPHP4-related conditions. This variant is not present in population databases (gnomAD no frequency). This sequence change replaces glycine, which is neutral and non-polar, with arginine, which is basic and polar, at codon 1285 of the NPHP4 protein (p.Gly1285Arg).

Blueprint Genetics
Classification: Uncertain significance. Last evaluated: 2021-10-29. Review status: criteria provided, single submitter. Criteria: ACMG Guidelines, 2015. Collection method: clinical testing. Allele origin: germline.

Baylor Genetics
Classification: Uncertain significance for Nephronophthisis 4. Last evaluated: 2020-07-13. Review status: criteria provided, single submitter. Criteria: ACMG Guidelines, 2015. Collection method: clinical testing. Allele origin: unknown. Affected: yes.
Comment: This variant was determined to be of uncertain significance according to ACMG Guidelines, 2015 [PMID:25741868].

GeneDx
Classification: Uncertain significance. Last evaluated: 2017-06-08. Review status: criteria provided, single submitter. Criteria: GeneDx Variant Classification (06012015). Collection method: clinical testing. Allele origin: germline. Affected: yes.
Comment: The G1285R variant in the NPHP4 gene has not been reported previously as a pathogenic variant, nor as a benign variant, to our knowledge. The G1285R variant is not observed in large population cohorts (Lek et al., 2016; 1000 Genomes Consortium et al., 2015; Exome Variant Server). The G1285R variant is a non-conservative amino acid substitution, which is likely to impact secondary protein structure as these residues differ in polarity, charge, size and/or other properties. This substitution occurs at a position that is conserved in mammals. In silico analysis predicts this variant is probably damaging to the protein structure/function. We interpret G1285R as a variant of uncertain significance.

Eurofins Ntd Llc (ga)
Classification: Uncertain significance. Last evaluated: 2017-01-24. Review status: criteria provided, single submitter. Criteria: EGL Classification Definitions 2015. Collection method: clinical testing. Allele origin: germline. Observed: 1 variant allele, 1 heterozygote.

Breakthrough Genomics
Classification: Uncertain significance. Review status: criteria provided, single submitter. Criteria: ACMG Guidelines, 2015. Collection method: not provided. Allele origin: germline. Inheritance: Autosomal recessive inheritance. Affected: yes.